The following is an entry in ClinVar:

NM_006260.5(DNAJC3):c.1371G>T (p.Lys457Asn)

Gene: DNAJC3 (DnaJ heat shock protein family (Hsp40) member C3; plus strand). Cytogenetic location: 13q32.1.
Variant type: single nucleotide variant.
Coding change: c.1371G>T on transcript NM_006260.5 (MANE Select); coding-DNA position 1371, G replaced by T.
Protein change: p.Lys457Asn; replaces lysine 457 with asparagine.
Molecular consequence: missense variant.
Genome position (GRCh38, 1-based): chr13:95,790,886, G>T. VCF-style: chr13-95790886-G-T. GRCh37 (hg19) VCF-style: chr13-96443140-G-T.
Other names: p.Lys457Asn; short protein forms K457N.
Identifiers: ClinVar variation 4541794 (VCV004541794.1).
Genomic context (GRCh38, chr13:95,790,886, plus strand): 5'-TATACCTTAGATATTATCTGGTTCTTAATTTTCTGATTTCTTTCTAGAAATGAGAAAGAA[G>T]TTTGACGACGGAGAAGATCCTTTGGATGCAGAGAGCCAGCAAGGAGGCGGCGGCAACCCT-3'
Protein context (NP_006251.1, residues 447-467): EVLSDPEMRK[Lys457Asn]FDDGEDPLDA

ClinVar aggregate classification (germline): Uncertain significance (1 of 4 stars; one submission).

gnomAD v4.1: 9 of 1,608,666 alleles (0.00056%); highest among the groups gnomAD compares: Non-Finnish European, 0.00051%; no homozygotes.

Submission:

Mayo Clinic Laboratories, Mayo Clinic
Classification: Uncertain significance. Last evaluated: 2025-10-30. Review status: criteria provided, single submitter. Criteria: ACMG Guidelines, 2015. Collection method: clinical testing. Allele origin: germline. Observed: 1 variant allele.
Comment: BP4